The following is an entry in ClinVar:

NM_001232.4(CASQ2):c.422T>G (p.Leu141Arg)

Gene: CASQ2 (calsequestrin 2; minus strand). Cytogenetic location: 1p13.1.
Variant type: single nucleotide variant.
Coding change: c.422T>G on transcript NM_001232.4 (MANE Select); coding-DNA position 422, T replaced by G.
Protein change: p.Leu141Arg; replaces leucine 141 with arginine.
Molecular consequence: missense variant.
Genome position (GRCh38, 1-based): chr1:115,738,334, A>C on the plus strand (T>G on the coding strand, the complement: CASQ2 is on the minus strand). VCF-style: chr1-115738334-A-C. GRCh37 (hg19) VCF-style: chr1-116280955-A-C.
Other names: short protein forms L141R.
Identifiers: ClinVar variation 1359859 (VCV001359859.9), dbSNP rs1648036832, ClinGen allele CA341764018.

ClinVar aggregate classification (germline): Uncertain significance (1 of 4 stars; one submission).

Conditions:
Catecholaminergic polymorphic ventricular tachycardia 1. Also called: RYR2-Related Catecholaminergic Polymorphic Ventricular Tachycardia; VENTRICULAR TACHYCARDIA, CATECHOLAMINERGIC POLYMORPHIC, 1, WITH OR WITHOUT ATRIAL DYSFUNCTION AND/OR DILATED CARDIOMYOPATHY; VENTRICULAR TACHYCARDIA, STRESS-INDUCED POLYMORPHIC 1. Identifiers: Orphanet 3286, MedGen C1631597, MONDO:0011484, OMIM 604772.

Allele frequency attached by ClinVar (database versions not stated): gnomAD exomes below 0.00001.

Submission:

Labcorp Genetics (formerly Invitae), Labcorp
Classification: Uncertain significance for Catecholaminergic polymorphic ventricular tachycardia 1. Last evaluated: 2021-04-09. Review status: criteria provided, single submitter. Criteria: Invitae Variant Classification Sherloc (09022015). Collection method: clinical testing. Allele origin: germline.
Comment: This sequence change replaces leucine with arginine at codon 141 of the CASQ2 protein (p.Leu141Arg). The leucine residue is moderately conserved and there is a moderate physicochemical difference between leucine and arginine. This variant is not present in population databases (ExAC no frequency). In summary, the available evidence is currently insufficient to determine the role of this variant in disease. Therefore, it has been classified as a Variant of Uncertain Significance. Algorithms developed to predict the effect of missense changes on protein structure and function are either unavailable or do not agree on the potential impact of this missense change (SIFT: "Deleterious"; PolyPhen-2: "Probably Damaging"; Align-GVGD: "Class C0"). This variant has not been reported in the literature in individuals with CASQ2-related conditions.